The following is an entry in ClinVar:

ClinVar aggregate classification (germline): Benign/Likely benign. Review status: criteria provided, multiple submitters, no conflicts (2 of 4 stars). 7 submissions from 7 submitters: Benign (5); Likely benign (1). 1 of the submissions does not count toward it. Last evaluated 2026-01-31.

Conditions:
HLCS-related disorder. Also called: HLCS-related condition.
Holocarboxylase synthetase deficiency. Also called: MULTIPLE CARBOXYLASE DEFICIENCY, EARLY ONSET. Identifiers: Orphanet 79242, MedGen C0268581, MONDO:0009666, OMIM 253270.

Allele frequency attached by ClinVar (database versions not stated): gnomAD exomes 0.00078 and 0.00167; ExAC 0.00199; gnomAD 0.00548 and 0.00587; 1000 Genomes Project 0.00599; TOPMed 0.00632; ESP Exome Variant Server 0.00661; 1000 Genomes Project 30x 0.00703.
gnomAD v4.1: 2,057 of 1,614,046 alleles (0.13%); highest among the groups gnomAD compares: African/African-American, 1.9%; 24 homozygotes.

Submissions (7):

Labcorp Genetics (formerly Invitae), Labcorp
Classification: Benign for Holocarboxylase synthetase deficiency. Last evaluated: 2026-01-31. Review status: criteria provided, single submitter. Criteria: Invitae Variant Classification Sherloc (09022015). Collection method: clinical testing. Allele origin: germline.

PreventionGenetics, part of Exact Sciences
Classification: Benign for HLCS-related condition. Last evaluated: 2025-07-21. Review status: criteria provided, single submitter. Criteria: ACMG Guidelines, 2015. Collection method: clinical testing. Allele origin: germline.
Comment: This variant is classified as benign based on ACMG/AMP sequence variant interpretation guidelines (Richards et al. 2015 PMID: 25741868, with internal and published modifications).

Fulgent Genetics
Classification: Likely benign for Holocarboxylase synthetase deficiency. Last evaluated: 2021-07-19. Review status: criteria provided, single submitter. Criteria: ACMG Guidelines, 2015. Collection method: clinical testing. Allele origin: unknown.

Illumina Laboratory Services, Illumina
Classification: Benign for Holocarboxylase synthetase deficiency. Last evaluated: 2017-04-27. Review status: criteria provided, single submitter. Criteria: ICSL Variant Classification Criteria 13 December 2019. Collection method: clinical testing. Allele origin: germline.
Comment: This variant was observed as part of a predisposition screen in an ostensibly healthy population. A literature search was performed for the gene, cDNA change, and amino acid change (where applicable). Publications were found based on this search. The evidence from the literature, in combination with allele frequency data from public databases where available, was sufficient to rule this variant out of causing disease. Therefore, this variant is classified as benign.

GeneDx
Classification: Benign. Last evaluated: 2014-04-02. Review status: criteria provided, single submitter. Criteria: GeneDx Variant Classification (06012015). Collection method: clinical testing. Allele origin: germline. Affected: yes.
Comment: This variant is considered likely benign or benign based on one or more of the following criteria: it is a conservative change, it occurs at a poorly conserved position in the protein, it is predicted to be benign by multiple in silico algorithms, and/or has population frequency not consistent with disease.

Breakthrough Genomics
Classification: Benign. Review status: criteria provided, single submitter. Criteria: ACMG Guidelines, 2015. Collection method: not provided. Allele origin: germline. Inheritance: Autosomal recessive inheritance. Affected: yes.

Natera, Inc.
Classification: Benign for Holocarboxylase synthetase deficiency. Last evaluated: 2020-09-16. Review status: no assertion criteria provided. Collection method: clinical testing. Allele origin: germline. Not counted in ClinVar's aggregate classification.

Literature cited by the submitters: PubMed 15635070 (cited by Illumina Laboratory Services, Illumina); PubMed 16134170 (cited by Illumina Laboratory Services, Illumina).

NM_001352514.2(HLCS):c.726C>T (p.Pro242=)

Gene: HLCS (holocarboxylase synthetase; minus strand). Cytogenetic location: 21q22.13.
Variant type: single nucleotide variant.
Coding change: c.726C>T on transcript NM_001352514.2 (MANE Select); coding-DNA position 726, C replaced by T.
Protein change: p.Pro242=; no amino-acid change (proline 242 retained).
Molecular consequence: synonymous variant. On other transcripts: non-coding transcript variant (2).
Genome position (GRCh38, 1-based): chr21:36,937,160, G>A on the plus strand (C>T on the coding strand, the complement: HLCS is on the minus strand). VCF-style: chr21-36937160-G-A. GRCh37 (hg19) VCF-style: chr21-38309460-G-A.
Other names: p.P95P:CCC>CCT; c.285C>T, p.Pro95= (NM_000411.8, NM_001242784.3, NM_001242785.2 and 4 more transcripts).
Identifiers: ClinVar variation 137549 (VCV000137549.21), dbSNP rs2230182, ClinGen allele CA291178.